The following is an entry in ClinVar:

ClinVar aggregate classification (germline): Likely pathogenic (1 of 4 stars; one submission).

Conditions:
Joubert syndrome. Also called: Familial aplasia of the vermis; JOUBERT-BOLTSHAUSER SYNDROME; CEREBELLOPARENCHYMAL DISORDER IV. Identifiers: Orphanet 475, MedGen C5979921, MONDO:0018772.

gnomAD v4.1: 7 of 1,611,566 alleles (0.00043%); highest among the groups gnomAD compares: Non-Finnish European, 0.00059%; no homozygotes.

Submission:

Natera, Inc.
Classification: Likely pathogenic for Joubert syndrome. Last evaluated: 2024-04-05. Review status: criteria provided, single submitter. Criteria: Natera Variant Classification Schema (03/2026). Collection method: clinical testing. Allele origin: germline.
Comment: The c.820C>T variant in RPGRIP1L is a nonsense variant predicted to introduce a stop codon at amino acid 274. This variant is expected to result in nonsense mediated decay, truncation, or a dysfunctional protein product. This variant is rare in the general population with a frequency below the threshold expected for the associated phenotype(s). Given the available evidence, this variant is classified as Likely Pathogenic.

NM_015272.5(RPGRIP1L):c.820C>T (p.Gln274Ter)

Gene: RPGRIP1L (RPGRIP1 like; minus strand). Cytogenetic location: 16q12.2.
Variant type: single nucleotide variant.
Coding change: c.820C>T on transcript NM_015272.5 (MANE Select); coding-DNA position 820, C replaced by T.
Protein change: p.Gln274Ter; replaces glutamine 274 with a stop codon.
Molecular consequence: nonsense.
Genome position (GRCh38, 1-based): chr16:53,675,079, G>A on the plus strand (C>T on the coding strand, the complement: RPGRIP1L is on the minus strand). VCF-style: chr16-53675079-G-A. GRCh37 (hg19) VCF-style: chr16-53708991-G-A.
Other names: c.820C>T, p.Gln274Ter (NM_001127897.4, NM_001308334.3, NM_001330538.2); short protein forms Q274*.
Identifiers: ClinVar variation 4815852 (VCV004815852.1).
Genomic context (GRCh38, chr16:53,675,079, plus strand): 5'-CTTGAAGCTGAATAAATTTTCCTTCCATTGCTGAAAGAGCATTGCTTTTCTCTACTAGCT[G>A]TTTATGAAGCTTAATCATTTCTACATTGTCCCGAATATTTGACCTTCAGAGTTGTGTTTA-3'